The following is an entry in ClinVar:

ClinVar aggregate classification (germline): Uncertain significance. Review status: criteria provided, multiple submitters, no conflicts (2 of 4 stars). 3 submissions from 3 submitters: Uncertain significance (3). Last evaluated 2025-07-16.

Conditions:
Charcot-Marie-Tooth disease type 2. Also called: Charcot-Marie-Tooth type 2. Identifiers: Orphanet 64746, MedGen C0270914, MONDO:0018993.
Pheochromocytoma. Also called: MAX-Related Hereditary Paraganglioma-Pheochromocytoma Syndrome. Identifiers: Orphanet 29072, MedGen C0031511, MONDO:0008233, OMIM 171300, HP:0002666.

Allele frequency attached by ClinVar (database versions not stated): gnomAD exomes 0.00002; gnomAD 0.00001; ExAC 0.00002; TOPMed 0.00002.
gnomAD v4.1: 21 of 1,613,900 alleles (0.0013%); highest among the groups gnomAD compares: South Asian, 0.0011%; no homozygotes.

Submissions (3):

Ambry Genetics
Classification: Uncertain significance. Last evaluated: 2025-07-16. Review status: criteria provided, single submitter. Criteria: Ambry Variant Classification Scheme 2023. Collection method: clinical testing. Allele origin: germline.
Comment: The p.R1680C variant (also known as c.5038C>T), located in coding exon 44 of the KIF1B gene, results from a C to T substitution at nucleotide position 5038. The arginine at codon 1680 is replaced by cysteine, an amino acid with highly dissimilar properties. This amino acid position is highly conserved in available vertebrate species. In addition, this alteration is predicted to be deleterious by in silico analysis. The evidence for this gene-disease relationship is limited; therefore, the clinical significance of this alteration is unclear.

Labcorp Genetics (formerly Invitae), Labcorp
Classification: Uncertain significance for Charcot-Marie-Tooth disease type 2. Last evaluated: 2025-03-25. Review status: criteria provided, single submitter. Criteria: Invitae Variant Classification Sherloc (09022015). Collection method: clinical testing. Allele origin: germline.
Comment: This sequence change replaces arginine, which is basic and polar, with cysteine, which is neutral and slightly polar, at codon 1680 of the KIF1B protein (p.Arg1680Cys). This variant is present in population databases (rs754479325, gnomAD 0.008%). This variant has not been reported in the literature in individuals affected with KIF1B-related conditions. ClinVar contains an entry for this variant (Variation ID: 1041517). An algorithm developed to predict the effect of missense changes on protein structure and function (PolyPhen-2) suggests that this variant is likely to be disruptive. In summary, the available evidence is currently insufficient to determine the role of this variant in disease. Therefore, it has been classified as a Variant of Uncertain Significance.

St. Jude Molecular Pathology, St. Jude Children's Research Hospital
Classification: Uncertain significance for Pheochromocytoma. Last evaluated: 2023-07-25. Review status: criteria provided, single submitter. Criteria: St. Jude Assertion Criteria 2020. Collection method: clinical testing. Allele origin: germline.
Comment: The KIF1B c.5038C>T (p.Arg1680Cys) missense change has a maximum subpopulation frequency of 0.011% in gnomAD v2.1.1. The in silico tool REVEL predicts a deleterious effect on protein function, but to our knowledge this prediction has not been confirmed by functional studies. To our knowledge, this variant has not been reported in individuals with pheochromocytoma or neuroblastoma. In summary, the evidence currently available is insufficient to determine the clinical significance of this variant. It has therefore been classified as of uncertain significance.

NM_001365951.3(KIF1B):c.5176C>T (p.Arg1726Cys)

Gene: KIF1B (kinesin family member 1B; plus strand). Cytogenetic location: 1p36.22.
Variant type: single nucleotide variant.
Coding change: c.5176C>T on transcript NM_001365951.3 (MANE Select); coding-DNA position 5176, C replaced by T.
Protein change: p.Arg1726Cys; replaces arginine 1726 with cysteine.
Molecular consequence: missense variant.
Genome position (GRCh38, 1-based): chr1:10,374,933, C>T. VCF-style: chr1-10374933-C-T. GRCh37 (hg19) VCF-style: chr1-10434991-C-T.
Other names: c.5176C>T, p.Arg1726Cys (NM_001365952.1); c.5038C>T, p.Arg1680Cys (NM_015074.3); short protein forms R1680C, R1726C.
Identifiers: ClinVar variation 1041517 (VCV001041517.11), dbSNP rs754479325, ClinGen allele CA582280.